The following is an entry in ClinVar:

ClinVar aggregate classification (germline): Likely pathogenic (1 of 4 stars; one submission).

Conditions:
Deafness-lymphedema-leukemia syndrome. Also called: Emberger syndrome; Lymphedema, primary, with myelodysplasia. Identifiers: Orphanet 3226, MedGen C3279664, MONDO:0013540, OMIM 614038.
GATA2 deficiency with susceptibility to MDS/AML. Identifiers: MedGen CN300066, MONDO:0042982.

Submission:

Molecular Pathology Research Laboratory, SA Pathology
Classification: Likely pathogenic for GATA2 deficiency with susceptibility to MDS/AML; Deafness-lymphedema-leukemia syndrome. Last evaluated: 2021-07-06. Review status: criteria provided, single submitter. Criteria: ACMG Guidelines, 2015. Collection method: curation. Allele origin: unknown. Inheritance: Autosomal dominant inheritance. Affected: yes. Observed: 1 variant allele.
Comment: PM1, PM2, PM5, PP3

Literature cited by the submitters: PubMed 24514424.

NM_032638.5(GATA2):c.1123C>G (p.Leu375Val)

Gene: GATA2 (GATA binding protein 2; minus strand). Cytogenetic location: 3q21.3.
Variant type: single nucleotide variant.
Coding change: c.1123C>G on transcript NM_032638.5 (MANE Select); coding-DNA position 1123, C replaced by G.
Protein change: p.Leu375Val; replaces leucine 375 with valine.
Molecular consequence: missense variant.
Genome position (GRCh38, 1-based): chr3:128,481,839, G>C on the plus strand (C>G on the coding strand, the complement: GATA2 is on the minus strand). VCF-style: chr3-128481839-G-C. GRCh37 (hg19) VCF-style: chr3-128200682-G-C.
Other names: c.1123C>G, p.Leu375Val (NM_001145661.2); c.1081C>G, p.Leu361Val (NM_001145662.1); short protein forms L361V, L375V.
Identifiers: ClinVar variation 1184009 (VCV001184009.1), dbSNP rs2107668602, ClinGen allele CA354413492.